The following is an entry in ClinVar:

NM_005371.6(METTL1):c.370C>T (p.Arg124Cys)

Gene: METTL1 (methyltransferase 1, tRNA methylguanosine; minus strand). Cytogenetic location: 12q14.1.
Variant type: single nucleotide variant.
Coding change: c.370C>T on transcript NM_005371.6 (MANE Select); coding-DNA position 370, C replaced by T.
Protein change: p.Arg124Cys; replaces arginine 124 with cysteine.
Molecular consequence: missense variant. On other transcripts: intron variant (1).
Genome position (GRCh38, 1-based): chr12:57,769,861, G>A on the plus strand (C>T on the coding strand, the complement: METTL1 is on the minus strand). VCF-style: chr12-57769861-G-A. GRCh37 (hg19) VCF-style: chr12-58163644-G-A.
Other names: c.275-183C>T (NM_023033.4); c.370C>T (NM_005371.5); short protein forms R124C.
Identifiers: ClinVar variation 1320319 (VCV001320319.4), dbSNP rs755626987, ClinGen allele CA6658773.

ClinVar aggregate classification (germline): Uncertain significance. Review status: criteria provided, multiple submitters, no conflicts (2 of 4 stars). 2 submissions from 2 submitters: Uncertain significance (2). Last evaluated 2022-12-28.

Allele frequency attached by ClinVar (database versions not stated): gnomAD 0.00001; gnomAD exomes 0.00001; 1000 Genomes Project 30x 0.00031.

Submissions (2):

Ambry Genetics
Classification: Uncertain significance. Last evaluated: 2022-12-28. Review status: criteria provided, single submitter. Criteria: Ambry Variant Classification Scheme 2023. Collection method: clinical testing. Allele origin: germline.

HudsonAlpha Institute for Biotechnology
Classification: Uncertain significance. Last evaluated: 2021-08-27. Review status: criteria provided, single submitter. Criteria: ACMG Guidelines, 2015. Collection method: research. Allele origin: maternal. Observed: 1 compound heterozygote. Study: CSER-SouthSeq.
Comment: ACMG codes: PM2; PP3